The following is an entry in ClinVar:

NM_000441.2(SLC26A4):c.439A>G (p.Met147Val)

Gene: SLC26A4 (solute carrier family 26 member 4; plus strand). Cytogenetic location: 7q22.3.
Variant type: single nucleotide variant.
Coding change: c.439A>G on transcript NM_000441.2 (MANE Select); coding-DNA position 439, A replaced by G.
Protein change: p.Met147Val; replaces methionine 147 with valine.
Molecular consequence: missense variant.
Genome position (GRCh38, 1-based): chr7:107,674,187, A>G. VCF-style: chr7-107674187-A-G. GRCh37 (hg19) VCF-style: chr7-107314632-A-G.
Other names: short protein forms M147V.
Identifiers: ClinVar variation 691508 (VCV000691508.24), dbSNP rs760413427, ClinGen allele CA4432481.

ClinVar aggregate classification (germline): Pathogenic. Review status: criteria provided, multiple submitters, no conflicts (2 of 4 stars). 10 submissions from 10 submitters: Pathogenic (8). 2 of the submissions do not count toward it. Last evaluated 2026-01-06.

Conditions:
Pendred syndrome (PDS). Also called: GOITER-DEAFNESS SYNDROME; HYPOTHYROIDISM, CONGENITAL, DUE TO DYSHORMONOGENESIS, 2B; THYROID DYSHORMONOGENESIS 2B; THYROID HORMONOGENESIS, GENETIC DEFECT IN, 2B; Pendred's syndrome; Pendred Syndrome (PDS). Identifiers: Orphanet 705, MedGen C0271829, MONDO:0010134, OMIM 274600.
Autosomal recessive nonsyndromic hearing loss 4 (DFNB4). Also called: NEUROSENSORY NONSYNDROMIC RECESSIVE DEAFNESS 4; Deafness, autosomal recessive 4; Enlarged vestibular aqueduct, digenic; Nonsyndromic enlarged vestibular aqueduct (NSEVA); DEAFNESS, AUTOSOMAL RECESSIVE 4, WITH ENLARGED VESTIBULAR AQUEDUCT, DIGENIC; FOXI1-Related Pendred Syndrome. Identifiers: Orphanet 90636, MedGen C3538946, MONDO:0010933, OMIM 600791.

Allele frequency attached by ClinVar (database versions not stated): ExAC 0.00001; gnomAD exomes 0.00001.

Submissions (10):

Labcorp Genetics (formerly Invitae), Labcorp
Classification: Pathogenic. Last evaluated: 2026-01-06. Review status: criteria provided, single submitter. Criteria: Invitae Variant Classification Sherloc (09022015). Collection method: clinical testing. Allele origin: germline.
Comment: This sequence change replaces methionine, which is neutral and non-polar, with valine, which is neutral and non-polar, at codon 147 of the SLC26A4 protein (p.Met147Val). This variant is present in population databases (rs760413427, gnomAD 0.01%). This missense change has been observed in individuals with SLC26A4-related conditions (PMID: 14508505, 15679828, 21961810). ClinVar contains an entry for this variant (Variation ID: 691508). Invitae Evidence Modeling of protein sequence and biophysical properties (such as structural, functional, and spatial information, amino acid conservation, physicochemical variation, residue mobility, and thermodynamic stability) indicates that this missense variant is expected to disrupt SLC26A4 protein function with a positive predictive value of 95%. Experimental studies have shown that this missense change affects SLC26A4 function (PMID: 18310264, 20826203). For these reasons, this variant has been classified as Pathogenic.

Natera, Inc.
Classification: Pathogenic for Pendred syndrome. Last evaluated: 2026-01-05. Review status: criteria provided, single submitter. Criteria: Natera Variant Classification Schema (03/2026). Collection method: clinical testing. Allele origin: germline.
Comment: The c.439A>G variant in SLC26A4 is a missense variant predicted to cause substitution of methionine to valine at amino acid 147. This variant is rare in the general population with a frequency below the threshold expected for the associated phenotype(s). This variant has been observed in one or more individuals affected with the associated recessive disease, as either homozygous or compound heterozygous with a second variant (PMID: 24599119, 23918157). Computational prediction algorithms indicate this variant is likely to affect gene or protein function. Given the available evidence, this variant is classified as Pathogenic.

Baylor Genetics
Classification: Pathogenic for Autosomal recessive nonsyndromic hearing loss 4. Last evaluated: 2024-03-18. Review status: criteria provided, single submitter. Criteria: ACMG Guidelines, 2015. Collection method: clinical testing. Allele origin: unknown.

Fulgent Genetics
Classification: Pathogenic for Pendred syndrome; Autosomal recessive nonsyndromic hearing loss 4. Last evaluated: 2024-02-20. Review status: criteria provided, single submitter. Criteria: ACMG Guidelines, 2015. Collection method: clinical testing. Allele origin: germline.

Women's Health and Genetics/Laboratory Corporation of America, LabCorp
Classification: Pathogenic for Pendred syndrome. Last evaluated: 2023-05-26. Review status: criteria provided, single submitter. Criteria: LabCorp Variant Classification Summary - May 2015. Collection method: clinical testing. Allele origin: germline.
Comment: Variant summary: SLC26A4 c.439A>G (p.Met147Val) results in a conservative amino acid change located in the SLC26A/SulP transporter domain (IPR011547) of the encoded protein sequence. Four of five in-silico tools predict a damaging effect of the variant on protein function. The variant allele was found at a frequency of 8e-06 in 251464 control chromosomes (gnomAD). c.439A>G has been reported in the literature as a biallelic genotype in multiple individuals affected with Hearing Loss w/ Enlarged Vestibular Aqueducts (e.g. Miyagawa_2014, Rah_2015, Tian_2021). These data indicate that the variant is very likely to be associated with disease. Functional assays using HEK293T cells show that the variant is not present on the plasma membrane and has impaired anion transport activity (e.g. Yoon_2008, Wasano_2020). The following publications have been ascertained in the context of this evaluation (PMID: 24599119, 25488846, 34170635, 31599023, 18310264). Three ClinVar submitters have assessed the variant since 2014: two classified the variant as pathogenic, and one reports it as a loss of function variant. Based on the evidence outlined above, the variant was classified as pathogenic.

GeneDx
Classification: Pathogenic. Last evaluated: 2023-04-14. Review status: criteria provided, single submitter. Criteria: GeneDx Variant Classification Process June 2021. Collection method: clinical testing. Allele origin: germline. Affected: yes.
Comment: Published functional studies demonstrate a damaging effect on protein folding resulting in intracellular retention and a loss of plasma membrane trafficking (Ishihara et al., 2010); In silico analysis supports that this missense variant has a deleterious effect on protein structure/function; This variant is associated with the following publications: (PMID: 27771369, 30275481, 32877901, 23918157, 31581539, 18310264, 31599023, 15679828, 14508505, 21961810, 34170635, 20826203)

3billion
Classification: Pathogenic for Autosomal recessive nonsyndromic hearing loss 4. Last evaluated: 2022-09-01. Review status: criteria provided, single submitter. Criteria: ACMG Guidelines, 2015. Collection method: clinical testing. Allele origin: germline. Affected: yes. Observed: 1 heterozygote.
Comment: The variant is observed at an extremely low frequency in the gnomAD v2.1.1 dataset (total allele frequency: <0.001%). In silico tool predictions suggest damaging effect of the variant on gene or gene product (REVEL: 0.94; 3Cnet: 0.76). Same nucleotide change resulting in same amino acid change has been previously reported to be associated with SLC26A4-related disorder (ClinVar ID: VCV000691508 / PMID: 14508505). The variant has been reported to be in trans with a pathogenic variant as either compound heterozygous or homozygous in at least 2 similarly affected unrelated individuals (PMID: 23918157). Different missense changes at the same codon (p.Met147Leu, p.Met147Thr) have been reported as pathogenic/likely pathogenic with strong evidence (ClinVar ID: VCV000556648 , VCV001067001). Therefore, this variant is classified as Pathogenic according to the recommendation of ACMG/AMP guideline.

Juno Genomics, Hangzhou Juno Genomics, Inc
Classification: Pathogenic for Autosomal recessive nonsyndromic hearing loss 4; Pendred syndrome. Review status: criteria provided, single submitter. Criteria: ACMG Guidelines, 2015. Collection method: clinical testing. Allele origin: germline.
Comment: For recessive disorders, detected in trans with a pathogenic variant.;Patient's phenotype or family history is highly specific for a disease with a single genetic etiology.;Well-established in vitro or in vivo functional studies supportive of a damaging effect on the gene or gene product.

National Institute of Sensory Organs, National Hospital Organization Tokyo Medical Center
Classification: Affects for Autosomal recessive nonsyndromic hearing loss 4. Last evaluated: 2019-08-20. Review status: no assertion criteria provided. Collection method: clinical testing, in vitro. Allele origin: germline. Inheritance: Autosomal recessive inheritance. Affected: yes. Functional consequence: loss_of_function_variant. Not counted in ClinVar's aggregate classification.
Comment: in vitro experiment

Precision Medicine Center, Zhengzhou University
Classification: Pathogenic for Autosomal recessive nonsyndromic hearing loss 4. Review status: no assertion criteria provided. Collection method: research. Allele origin: germline. Affected: yes. Not counted in ClinVar's aggregate classification.
Comment: PP1: Segregation in one affected relative PM2_Supporting: gnomAD East Asian allele frequency = 0.0001087< 0.00007 PM3_VeryStrong: Pathogenic mutation confirmed in trans in three patients and phase unknown in six patients PP3: REVEL score >0.7 PP4: Patient's phenotype highly specific for gene

Literature cited by the submitters: PubMed 14508505 (cited by 3 submitters); PubMed 15679828 (cited by Labcorp Genetics (formerly Invitae), Labcorp); PubMed 21961810 (cited by Labcorp Genetics (formerly Invitae), Labcorp and National Institute of Sensory Organs, National Hospital Organization Tokyo Medical Center); PubMed 18310264 (cited by 3 submitters); PubMed 20826203 (cited by Labcorp Genetics (formerly Invitae), Labcorp and National Institute of Sensory Organs, National Hospital Organization Tokyo Medical Center); PubMed 24599119 (cited by Natera, Inc. and Women's Health and Genetics/Laboratory Corporation of America, LabCorp); PubMed 23918157 (cited by Natera, Inc. and 3billion); PubMed 31599023 (cited by Women's Health and Genetics/Laboratory Corporation of America, LabCorp and National Institute of Sensory Organs, National Hospital Organization Tokyo Medical Center); PubMed 34170635 (cited by Women's Health and Genetics/Laboratory Corporation of America, LabCorp); PubMed 25488846 (cited by Women's Health and Genetics/Laboratory Corporation of America, LabCorp); PubMed 27771369 (cited by National Institute of Sensory Organs, National Hospital Organization Tokyo Medical Center).